The following is an entry in ClinVar:

ClinVar aggregate classification (germline): Likely benign (1 of 4 stars; one submission).

Conditions:
Hyperglycinuria. Also called: GLYCINURIA WITH OR WITHOUT OXALATE NEPHROLITHIASIS; GLYCINURIA WITH OR WITHOUT OXALATE UROLITHIASIS; IMINOGLYCINURIA TYPE II. Identifiers: MedGen C0543541, MONDO:0007677, OMIM 138500, HP:0003108.

Allele frequency attached by ClinVar (database versions not stated): gnomAD 0.00065 and 0.00201; TOPMed 0.00103; gnomAD exomes 0.00235 and 0.00687; 1000 Genomes Project 30x 0.01312; 1000 Genomes Project 0.01458; ExAC 0.02483.
gnomAD v4.1: 3,047 of 1,277,428 alleles (0.24%); highest among the groups gnomAD compares: South Asian, 3%; 67 homozygotes.

Submission:

Illumina Laboratory Services, Illumina
Classification: Likely benign for Hyperglycinuria. Last evaluated: 2018-01-13. Review status: criteria provided, single submitter. Criteria: ICSL Variant Classification Criteria 13 December 2019. Collection method: clinical testing. Allele origin: germline.
Comment: This variant was observed in the ICSL laboratory as part of a predisposition screen in an ostensibly healthy population. It had not been previously curated by ICSL or reported in the Human Gene Mutation Database (HGMD: prior to June 1st, 2018), and was therefore a candidate for classification through an automated scoring system. Utilizing variant allele frequency, disease prevalence and penetrance estimates, and inheritance mode, an automated score was calculated to assess if this variant is too frequent to cause the disease. Based on the score and internal cut-off values, a variant classified as likely benign is not then subjected to further curation. The score for this variant resulted in a classification of likely benign for this disease.

NM_020208.4(SLC6A20):c.*548A>G

Gene: SLC6A20 (solute carrier family 6 member 20; minus strand). Cytogenetic location: 3p21.31.
Variant type: single nucleotide variant.
Coding change: c.*548A>G on transcript NM_020208.4 (MANE Select); 548 bases downstream of the stop codon, A replaced by G.
Molecular consequence: 3 prime UTR variant.
Genome position (GRCh38, 1-based): chr3:45,758,430, T>C on the plus strand (A>G on the coding strand, the complement: SLC6A20 is on the minus strand). VCF-style: chr3-45758430-T-C. GRCh37 (hg19) VCF-style: chr3-45799922-T-C.
Other names: c.*548A>G (NM_022405.4).
Identifiers: ClinVar variation 345389 (VCV000345389.5), dbSNP rs149175344, ClinGen allele CA2351170.